The following is an entry in ClinVar:

NM_001042492.3(NF1):c.1801C>T (p.Arg601Trp)

Gene: NF1 (neurofibromin 1; plus strand). Cytogenetic location: 17q11.2.
Variant type: single nucleotide variant.
Coding change: c.1801C>T on transcript NM_001042492.3 (MANE Select); coding-DNA position 1801, C replaced by T.
Protein change: p.Arg601Trp; replaces arginine 601 with tryptophan.
Molecular consequence: missense variant.
Genome position (GRCh38, 1-based): chr17:31,223,523, C>T. VCF-style: chr17-31223523-C-T. GRCh37 (hg19) VCF-style: chr17-29550541-C-T.
Other names: c.1801C>T, p.Arg601Trp (NM_000267.4); short protein forms R601W.
Identifiers: ClinVar variation 142619 (VCV000142619.18), dbSNP rs587782592, ClinGen allele CA168912.

ClinVar aggregate classification (germline): Conflicting classifications of pathogenicity. Review status: criteria provided, conflicting classifications (1 of 4 stars). 8 submissions from 7 submitters: Uncertain significance (7); Likely benign (1). Last evaluated 2026-10-01.

Conditions:
Cardiovascular phenotype. Identifiers: MedGen CN230736.
Hereditary cancer-predisposing syndrome. Also called: Neoplastic Syndromes, Hereditary; Tumor predisposition; Hereditary neoplastic syndrome; Hereditary Cancer Syndrome. Identifiers: Orphanet 140162, MedGen C0027672, MeSH D009386, MONDO:0015356.
NF1-related disorder. Also called: NF1-related condition. Identifiers: MedGen CN379171.
Neurofibromatosis-Noonan syndrome (NFNS). Also called: NEUROFIBROMATOSIS WITH NOONAN PHENOTYPE. Identifiers: Orphanet 638, MedGen C2931482, MONDO:0011035, OMIM 601321. Disease mechanism: loss of function.
Café-au-lait macules with pulmonary stenosis (WTSN). Also called: PULMONIC STENOSIS WITH CAFE-AU-LAIT SPOTS. Identifiers: MedGen C0553586, MONDO:0008672, OMIM 193520.
Juvenile myelomonocytic leukemia (JMML). Also called: LEUKEMIA, JUVENILE MYELOMONOCYTIC, SOMATIC. Identifiers: Orphanet 86834, MedGen C0349639, MONDO:0011908, OMIM 607785, HP:0012209.
Neurofibromatosis, type 1 (NF1). Also called: Neurofibromatosis, type I; Peripheral type neurofibromatosis; VON RECKLINGHAUSEN DISEASE; NEUROFIBROMATOSIS, TYPE I, SOMATIC. Identifiers: Orphanet 636, MedGen C0027831, MONDO:0018975, OMIM 162200. Disease mechanism: loss of function.
Neurofibromatosis, familial spinal (FSNF). Identifiers: Orphanet 636, MedGen C1834235, MONDO:0008078, OMIM 162210. Disease mechanism: loss of function.

Allele frequency attached by ClinVar (database versions not stated): ExAC 0.00001; gnomAD exomes 0.00001.
gnomAD v4.1: 11 of 1,612,338 alleles (0.00068%); highest among the groups gnomAD compares: South Asian, 0.0011%; no homozygotes.

Submissions (8):

St. Jude Molecular Pathology, St. Jude Children's Research Hospital
Classification: Uncertain significance for Neurofibromatosis, type 1. Last evaluated: 2026-10-01. Review status: criteria provided, single submitter. Criteria: St. Jude Assertion Criteria 2020. Collection method: clinical testing. Allele origin: germline.
Comment: The NF1 c.1801C>T p.(Arg601Trp) missense change has a maximum subpopulation frequency of 0.003% in gnomAD v2.1.1. The in silico tool REVEL is inconclusive about a p athogenic or benign effect of this variant on protein function, and to our knowledge functional studies have not been performed. To our knowledge, this variant has not been reported in individuals with Neurofibromatosis type 1. In summary, the evidence currently available is insufficient to determine the clinical significance of this variant. It has therefore been classified as of uncertain significance.

Labcorp Genetics (formerly Invitae), Labcorp
Classification: Likely benign for Neurofibromatosis, type 1. Last evaluated: 2026-01-27. Review status: criteria provided, single submitter. Criteria: Invitae Variant Classification Sherloc (09022015). Collection method: clinical testing. Allele origin: germline.

PreventionGenetics, part of Exact Sciences
Classification: Uncertain significance for NF1-related condition. Last evaluated: 2025-07-23. Review status: criteria provided, single submitter. Criteria: ACMG Guidelines, 2015. Collection method: clinical testing. Allele origin: germline.
Comment: The NF1 c.1801C>T variant is predicted to result in the amino acid substitution p.Arg601Trp. This variant has been reported in unaffected control individuals in studies of breast and biliary tract cancers (supplemental data 1, Momozawa et al. 2018. PubMed ID: 30287823; supplemental table 2, Okawa et al. 2022. PubMed ID: 36243179). This variant is reported in 0.0033% of alleles in individuals of South Asian descent in gnomAD and has conflicting interpretations of pathogenicity ranging from uncertain to likely benign in ClinVar (Variation ID: 142619). At this time, the clinical significance of this variant is uncertain due to the absence of conclusive functional and genetic evidence.

Ambry Genetics
Classification: Uncertain significance for Cardiovascular phenotype; Hereditary cancer-predisposing syndrome. Last evaluated: 2025-01-10. Review status: criteria provided, single submitter. Criteria: Ambry Variant Classification Scheme 2023. Collection method: clinical testing. Allele origin: germline.

Genome-Nilou Lab
Classification: Uncertain significance for Neurofibromatosis, type 1. Last evaluated: 2022-03-15. Review status: criteria provided, single submitter. Criteria: ACMG Guidelines, 2015. Collection method: clinical testing. Allele origin: germline. Affected: no.

Fulgent Genetics
Classification: Uncertain significance for Neurofibromatosis, type 1; Neurofibromatosis, familial spinal; Café-au-lait macules with pulmonary stenosis; Neurofibromatosis-Noonan syndrome; Juvenile myelomonocytic leukemia. Last evaluated: 2021-07-06. Review status: criteria provided, single submitter. Criteria: ACMG Guidelines, 2015. Collection method: clinical testing. Allele origin: unknown.

Blueprint Genetics
Classification: Uncertain significance. Last evaluated: 2020-10-21. Review status: criteria provided, single submitter. Criteria: ACMG Guidelines, 2015. Collection method: clinical testing. Allele origin: germline.

Ambry Genetics
Classification: Uncertain significance for Hereditary cancer-predisposing syndrome. Last evaluated: 2014-05-09. Review status: criteria provided, single submitter. Criteria: Ambry Autosomal Dominant and X-Linked criteria (10/2015). Collection method: clinical testing. Allele origin: germline. Observed: 1 variant allele.
Comment: The p.R601W variant (also known as c.1801C>T), located in coding exon 16 of the NF1 gene, results from a C to T substitution at nucleotide position 1801. The arginine at codon 601 is replaced by tryptophan, an amino acid with dissimilar properties. This variant was not reported in population based cohorts in the following databases: Database of Single Nucleotide Polymorphisms (dbSNP), NHLBI Exome Sequencing Project (ESP), and 1000 Genomes Project. To date, this alteration has been detected with an allele frequency of approximately 0.02% (greater than 5000 alleles tested) in our clinical cohort (includes this individual). This amino acid position is highly conserved in available vertebrate species. In addition, this alteration is predicted to be probably damaging and deleterious by PolyPhen and SIFT in silico analyses, respectively. Since supporting evidence is limited at this time, the clinical significance of p.R601W remains unclear.Ã¢â‚¬â€¹